The following is an entry in ClinVar:

NM_000059.4(BRCA2):c.9604C>T (p.Pro3202Ser)

Gene: BRCA2 (BRCA2 DNA repair associated; plus strand). Cytogenetic location: 13q13.1.
Variant type: single nucleotide variant.
Coding change: c.9604C>T on transcript NM_000059.4 (MANE Select); coding-DNA position 9604, C replaced by T.
Protein change: p.Pro3202Ser; replaces proline 3202 with serine.
Molecular consequence: missense variant.
Genome position (GRCh38, 1-based): chr13:32,397,000, C>T. VCF-style: chr13-32397000-C-T. GRCh37 (hg19) VCF-style: chr13-32971137-C-T.
Other names: short protein forms P3202S.
Identifiers: ClinVar variation 491382 (VCV000491382.16), dbSNP rs1555289789, ClinGen allele CA387763595.

ClinVar aggregate classification (germline): Conflicting classifications of pathogenicity. Review status: criteria provided, conflicting classifications (1 of 4 stars). 4 submissions from 4 submitters: Uncertain significance (3); Likely benign (1). Last evaluated 2023-04-27.

Conditions:
Hereditary cancer-predisposing syndrome. Also called: Tumor predisposition; Neoplastic Syndromes, Hereditary; Hereditary Cancer Syndrome; Hereditary neoplastic syndrome. Identifiers: Orphanet 140162, MedGen C0027672, MeSH D009386, MONDO:0015356.
Hereditary breast ovarian cancer syndrome. Also called: Hereditary breast and ovarian cancer; Hereditary breast and ovarian cancer syndrome (HBOC); BRCA1- and BRCA2-Associated Hereditary Breast and Ovarian Cancer; Breast and ovarian cancer; Hereditary breast and ovarian cancer syndrome; Hereditary breast and/or ovarian cancer syndrome. Identifiers: Orphanet 145, MedGen C0677776, MeSH D061325, MONDO:0003582. Disease mechanism: loss of function.
Breast-ovarian cancer, familial, susceptibility to, 2 (BROVCA2). Also called: BRCA2 Hereditary Breast and Ovarian Cancer. Identifiers: Orphanet 145, MedGen C2675520, MONDO:0012933, OMIM 612555. Disease mechanism: loss of function.

Allele frequency attached by ClinVar (database versions not stated): gnomAD exomes 0.00001.
gnomAD v4.1: 12 of 1,613,968 alleles (0.00074%); highest among the groups gnomAD compares: Non-Finnish European, 0.001%; no homozygotes.

Submissions (4):

All of Us Research Program, National Institutes of Health
Classification: Uncertain significance for Breast-ovarian cancer, familial, susceptibility to, 2. Last evaluated: 2023-04-27. Review status: criteria provided, single submitter. Criteria: ACMG Guidelines, 2015. Collection method: clinical testing. Allele origin: germline. Inheritance: Autosomal dominant inheritance. Observed: 1 variant allele, 1 heterozygote.
Comment: This missense variant replaces proline with serine at codon 3202 of the BRCA2 protein. Computational prediction suggests that this variant may not impact protein structure and function (internally defined REVEL score threshold <= 0.5, PMID: 27666373). Splice site prediction tools suggest that this variant may not impact RNA splicing. To our knowledge, functional studies have not been performed for this variant. This variant has not been reported in individuals affected with hereditary cancer in the literature. This variant has not been identified in the general population by the Genome Aggregation Database (gnomAD). The available evidence is insufficient to determine the role of this variant in disease conclusively. Therefore, this variant is classified as a Variant of Uncertain Significance.

This study involves interpretation of variants in research participants for the purpose of population health screening. Participant phenotype was not available at the time of variant classification. Additional details can be found in publication PMID: 35346344, PMCID: PMC8962531

Labcorp Genetics (formerly Invitae), Labcorp
Classification: Uncertain significance for Hereditary breast ovarian cancer syndrome. Last evaluated: 2022-06-28. Review status: criteria provided, single submitter. Criteria: Invitae Variant Classification Sherloc (09022015). Collection method: clinical testing. Allele origin: germline.
Comment: In summary, the available evidence is currently insufficient to determine the role of this variant in disease. Therefore, it has been classified as a Variant of Uncertain Significance. Advanced modeling of protein sequence and biophysical properties (such as structural, functional, and spatial information, amino acid conservation, physicochemical variation, residue mobility, and thermodynamic stability) performed at Invitae indicates that this missense variant is not expected to disrupt BRCA2 protein function. ClinVar contains an entry for this variant (Variation ID: 491382). This missense change has been observed in individual(s) with pancreatic ductal adenocarcinoma (PMID: 32255556). This variant is not present in population databases (gnomAD no frequency). This sequence change replaces proline, which is neutral and non-polar, with serine, which is neutral and polar, at codon 3202 of the BRCA2 protein (p.Pro3202Ser).

Ambry Genetics
Classification: Likely benign for Hereditary cancer-predisposing syndrome. Last evaluated: 2020-11-23. Review status: criteria provided, single submitter. Criteria: Ambry Variant Classification Scheme 2023. Collection method: clinical testing. Allele origin: germline.

Color Diagnostics, LLC DBA Color Health
Classification: Uncertain significance for Hereditary cancer-predisposing syndrome. Last evaluated: 2020-01-29. Review status: criteria provided, single submitter. Criteria: ACMG Guidelines, 2015. Collection method: clinical testing. Allele origin: germline.
Comment: This missense variant replaces proline with serine at codon 3202 of the BRCA2 protein. Computational prediction suggests that this variant may not impact protein structure and function (internally defined REVEL score threshold <= 0.5, PMID: 27666373). Splice site prediction tools suggest that this variant may not impact RNA splicing. To our knowledge, functional studies have not been performed for this variant. This variant has not been reported in individuals affected with hereditary cancer in the literature. This variant has not been identified in the general population by the Genome Aggregation Database (gnomAD). The available evidence is insufficient to determine the role of this variant in disease conclusively. Therefore, this variant is classified as a Variant of Uncertain Significance.

Literature cited by the submitters: PubMed 32255556 (cited by Labcorp Genetics (formerly Invitae), Labcorp); PubMed 25186627 (cited by Ambry Genetics).